The following is an entry in ClinVar:

NM_006651.4(CPLX1):c.188G>A (p.Arg63His)

Genes: CPLX1 (complexin 1; minus strand), CPLX1-AS1 (CPLX1 antisense RNA 1; plus strand). Cytogenetic location: 4p16.3.
Variant type: single nucleotide variant.
Coding change: c.188G>A on transcript NM_006651.4 (MANE Select); coding-DNA position 188, G replaced by A.
Protein change: p.Arg63His; replaces arginine 63 with histidine.
Molecular consequence: missense variant.
Genome position (GRCh38, 1-based): chr4:792,452, C>T on the plus strand (G>A on the coding strand, the complement: CPLX1 is on the minus strand). VCF-style: chr4-792452-C-T. GRCh37 (hg19) VCF-style: chr4-786240-C-T.
Other names: short protein forms R63H.
Identifiers: ClinVar variation 3234946 (VCV003234946.1), dbSNP rs2475058738, ClinGen allele CA355921824.

ClinVar aggregate classification (germline): Uncertain significance (1 of 4 stars; one submission).

Conditions:
Developmental and epileptic encephalopathy, 63. Also called: EPILEPTIC ENCEPHALOPATHY, EARLY INFANTILE, 63. Identifiers: MedGen C4693810, MONDO:0033372, OMIM 617976.

Allele frequency attached by ClinVar (database versions not stated): gnomAD exomes below 0.00001.
gnomAD v4.1: 1 of 1,599,760 alleles (0.000063%); highest among the groups gnomAD compares: Non-Finnish European, 0.000085%; no homozygotes.

Submission:

Neuberg Centre For Genomic Medicine, NCGM
Classification: Uncertain significance for Developmental and epileptic encephalopathy, 63. Review status: criteria provided, single submitter. Criteria: ACMG Guidelines, 2015. Collection method: clinical testing. Allele origin: germline. Inheritance: Autosomal recessive inheritance. Affected: yes.
Comment: The missense c.188G>Ap.Arg63His variant in CPLX1 gene has not been reported previously as a pathogenic variant nor as a benign variant, to our knowledge. This variant is novel not in any individuals in gnomAD Exomes and 1000 Genomes. The amino acid Arg at position 63 is changed to a His changing protein sequence and it might alter its composition and physico-chemical properties. The amino acid change p.Arg63His in CPLX1 is predicted as conserved by GERP++ and PhyloP across 100 vertebrates. The variant is predicted as damaging by SIFT. For these reasons, this variant has been classified as Uncertain Significance.